The following is an entry in ClinVar:

NM_014927.5(CNKSR2):c.363A>G (p.Pro121=)

Gene: CNKSR2 (connector enhancer of kinase suppressor of Ras 2; plus strand). Cytogenetic location: Xp22.12.
Variant type: single nucleotide variant.
Coding change: c.363A>G on transcript NM_014927.5 (MANE Select); coding-DNA position 363, A replaced by G.
Protein change: p.Pro121=; no amino-acid change (proline 121 retained).
Molecular consequence: synonymous variant.
Genome position (GRCh38, 1-based): chrX:21,432,746, A>G. VCF-style: chrX-21432746-A-G. GRCh37 (hg19) VCF-style: chrX-21450864-A-G.
Other names: c.363A>G, p.Pro121= (NM_001168647.3, NM_001168648.3, NM_001168649.3 and 4 more transcripts).
Identifiers: ClinVar variation 2660143 (VCV002660143.25), dbSNP rs554125982, ClinGen allele CA10366423.

ClinVar aggregate classification (germline): Likely benign. Review status: criteria provided, multiple submitters, no conflicts (2 of 4 stars). 2 submissions from 2 submitters: Likely benign (2). Last evaluated 2023-04-01.

Allele frequency attached by ClinVar (database versions not stated): gnomAD exomes 0.00001; TOPMed 0.00001; ExAC 0.00002; gnomAD 0.00005.
gnomAD v4.1: 17 of 1,209,271 alleles (0.0014%); highest among the groups gnomAD compares: Middle Eastern, 0.023%; no homozygotes.

Submissions (2):

CeGaT Center for Human Genetics Tuebingen
Classification: Likely benign. Last evaluated: 2023-04-01. Review status: criteria provided, single submitter. Criteria: CeGaT Center For Human Genetics Tuebingen Variant Classification Criteria Version 2. Collection method: clinical testing. Allele origin: germline. Affected: yes. Observed: 1 variant allele.
Comment: CNKSR2: BP4, BP7, BS2

Blueprint Genetics
Classification: Likely benign. Last evaluated: 2020-04-07. Review status: criteria provided, single submitter. Criteria: ACMG Guidelines, 2015. Collection method: clinical testing. Allele origin: germline.